The following is an entry in ClinVar:

ClinVar aggregate classification (germline): Pathogenic (1 of 4 stars; one submission).

Conditions:
Marfan syndrome (MFS). Also called: MARFAN SYNDROME, TYPE I; Marfan syndrome type 1; Marfan's syndrome; Marfan syndrome, classic; FBN1-Related Marfan Syndrome. Identifiers: Orphanet 284963, Orphanet 558, MedGen C0024796, MONDO:0007947, OMIM 154700.
Familial thoracic aortic aneurysm and aortic dissection (TAAD). Also called: Thoracic aortic aneurysms and dissections. Identifiers: Orphanet 91387, MedGen C4707243, MONDO:0019625.

Submission:

Labcorp Genetics (formerly Invitae), Labcorp
Classification: Pathogenic for Marfan syndrome; Familial thoracic aortic aneurysm and aortic dissection. Last evaluated: 2021-11-01. Review status: criteria provided, single submitter. Criteria: Invitae Variant Classification Sherloc (09022015). Collection method: clinical testing. Allele origin: germline.
Comment: This variant disrupts the p.Cys832 amino acid residue in FBN1. Other variant(s) that disrupt this residue have been observed in individuals with FBN1-related conditions (PMID: 19839986, 27906200), which suggests that this may be a clinically significant amino acid residue. For these reasons, this variant has been classified as Pathogenic. This variant affects a cysteine residue in the EGF-like, TGFBP or hybrid motif domains of FBN1. Cysteine residues are believed to be involved in intramolecular disulfide bridges and have been shown to be important for FBN1 protein structure (PMID: 16905551, 19349279). In addition, missense substitutions affecting cysteine residues within these domains are significantly overrepresented among patients with Marfan syndrome (PMID: 16571647, 17701892). This variant has been observed in individual(s) with clinical features of Marfan syndrome (Invitae). This variant is not present in population databases (gnomAD no frequency). This variant, c.2483_2500del, results in the deletion of 6 amino acid(s) of the FBN1 protein (p.Phe828_Ser833del), but otherwise preserves the integrity of the reading frame.

Literature cited by the submitters: PubMed 19839986; PubMed 27906200; PubMed 16905551; PubMed 19349279; PubMed 16571647; PubMed 17701892.

NM_000138.5(FBN1):c.2483_2500del (p.Phe828_Ser833del)

Gene: FBN1 (fibrillin 1; minus strand). Cytogenetic location: 15q21.1.
Variant type: Deletion.
Coding change: c.2483_2500del on transcript NM_000138.5 (MANE Select); coding-DNA positions 2483 to 2500, 18 bases deleted (TTATTTGTGAATGTTCTT).
Protein change: p.Phe828_Ser833del.
Molecular consequence: inframe deletion.
Genome position (GRCh38, 1-based): chr15:48,495,508-48,495,525, AAGAACATTCACAAATAA deleted on the plus strand (TTATTTGTGAATGTTCTT on the coding strand, the reverse complement: FBN1 is on the minus strand); deleting any 18 consecutive bases within chr15:48,495,508-48,495,529 gives the same sequence; the c. name uses the placement nearest the transcript's 3' end. VCF-style (leftmost placement, unchanged base first): chr15-48495507-GAAGAACATTCACAAATAA-G. GRCh37 (hg19) VCF-style: chr15-48787704-GAAGAACATTCACAAATAA-G.
Identifiers: ClinVar variation 1434271 (VCV001434271.6), dbSNP rs2141304189, ClinGen allele CA2573150812.